The following is an entry in ClinVar:

NM_001370259.2(MEN1):c.1007_1009dup (p.Glu336dup)

Gene: MEN1 (menin 1; minus strand). Cytogenetic location: 11q13.1.
Variant type: Duplication.
Coding change: c.1007_1009dup on transcript NM_001370259.2 (MANE Select); coding-DNA positions 1007 to 1009, 3 bases duplicated (AAG; older notation c.1007_1009dupAAG).
Protein change: p.Glu336dup; duplicates glutamic acid 336.
Molecular consequence: inframe insertion.
Genome position (GRCh38, 1-based): chr11:64,806,272-64,806,274, CTT duplicated on the plus strand (AAG on the coding strand, the reverse complement: MEN1 is on the minus strand); duplicating any 3 consecutive bases within chr11:64,806,272-64,806,275 gives the same sequence; the c. name uses the placement nearest the transcript's 3' end. VCF-style (leftmost placement, unchanged base first): chr11-64806271-G-GCTT. GRCh37 (hg19) VCF-style: chr11-64573743-G-GCTT.
Other names: c.1022_1024dup, p.Glu341dup (NM_000244.4, NM_130800.3, NM_130801.3 and 3 more transcripts); c.1007_1009dup, p.Glu336dup (NM_001370251.2, NM_001370260.2, NM_001370261.2 and 1 more transcripts); c.902_904dup, p.Glu301dup (NM_001370262.2, NM_001370263.2); c.1007_1009dupAAG (NM_130799.2).
Identifiers: ClinVar variation 428073 (VCV000428073.16), dbSNP rs1114167529, ClinGen allele CA645369577.
Genomic context (GRCh38, chr11:64,806,271, plus strand): 5'-CCCTAGTAGGGGGATCCTCACTCCTGGATGACAGTGGCCGTGTCCGCCCAGGCCTGCAGG[G>GCTT]CTTCCCGCACATTGCGGTTGCGACAGTGGTAGCCAGCCAGGTACATGTAGGGGTAGATGT-3'

ClinVar aggregate classification (germline): Uncertain significance. Review status: criteria provided, multiple submitters, no conflicts (2 of 4 stars). 2 submissions from 2 submitters: Uncertain significance (2). Last evaluated 2019-11-26.

Conditions:
Hereditary cancer-predisposing syndrome. Also called: Hereditary neoplastic syndrome; Tumor predisposition; Neoplastic Syndromes, Hereditary; Hereditary Cancer Syndrome. Identifiers: Orphanet 140162, MedGen C0027672, MeSH D009386, MONDO:0015356.
Multiple endocrine neoplasia, type 1 (MEN1). Also called: MEN I; Endocrine adenomatosis multiple; MEN 1; WERMER SYNDROME; MEA I. Identifiers: Orphanet 652, MedGen C0025267, MeSH D018761, MONDO:0007540, OMIM 131100.

Submissions (2):

Labcorp Genetics (formerly Invitae), Labcorp
Classification: Uncertain significance for Multiple endocrine neoplasia, type 1. Last evaluated: 2019-11-26. Review status: criteria provided, single submitter. Criteria: Invitae Variant Classification Sherloc (09022015). Collection method: clinical testing. Allele origin: germline.
Comment: In summary, the available evidence is currently insufficient to determine the role of this variant in disease. Therefore, it has been classified as a Variant of Uncertain Significance. Experimental studies and prediction algorithms are not available or were not evaluated, and the functional significance of this variant is currently unknown. This variant has not been reported in the literature in individuals with MEN1-related conditions. ClinVar contains an entry for this variant (Variation ID: 428073). This variant is not present in population databases (ExAC no frequency). This variant, c.1007_1009dup, results in the insertion of 1 amino acid(s) to the MEN1 protein (p.Glu336dup), but otherwise preserves the integrity of the reading frame.

Ambry Genetics
Classification: Uncertain significance for Hereditary cancer-predisposing syndrome. Last evaluated: 2016-01-12. Review status: criteria provided, single submitter. Criteria: Ambry Variant Classification Scheme 2023. Collection method: clinical testing. Allele origin: germline.
Comment: The c.1007_1009dupAAG variant (also known as p.E336dup), located in coding exon 6 of the MEN1 gene, results from an in-frame duplication of AAG fromn nucleotide positions 1007 to 1009. This results in the duplication of an extra glutamic acid residue between codons 336 and 337. This variant was not reported in population based cohorts in the following databases: Database of Single Nucleotide Polymorphisms (dbSNP), NHLBI Exome Sequencing Project (ESP), and 1000 Genomes Project. In the ESP, this variant was not observed in 6498 samples (12996 alleles) with coverage at this position. This amino acid position is highly conserved in available vertebrate species. Based on available evidence to date, the clinical significance of this variant remains unclear.